The following is an entry in ClinVar:

NM_000342.4(SLC4A1):c.349+1G>C

Gene: SLC4A1 (solute carrier family 4 member 1 (Diego blood group); minus strand). Cytogenetic location: 17q21.31.
Variant type: single nucleotide variant.
Coding change: c.349+1G>C on transcript NM_000342.4 (MANE Select); the canonical splice donor site of the intron after coding-DNA position 349, G replaced by C.
Molecular consequence: splice donor variant.
Genome position (GRCh38, 1-based): chr17:44,260,634, C>G on the plus strand (G>C on the coding strand, the complement: SLC4A1 is on the minus strand). VCF-style: chr17-44260634-C-G. GRCh37 (hg19) VCF-style: chr17-42338002-C-G.
Identifiers: ClinVar variation 2433471 (VCV002433471.6), dbSNP rs1567834739, ClinGen allele CA399795574.

ClinVar aggregate classification (germline): Likely pathogenic. Review status: criteria provided, multiple submitters, no conflicts (2 of 4 stars). 3 submissions from 3 submitters: Likely pathogenic (3). Last evaluated 2025-12-24.

Conditions:
Hereditary spherocytosis type 4. Also called: SLC4A1-Related Spherocytosis. Identifiers: Orphanet 822, MedGen C2675212, MONDO:0012981, OMIM 612653.
BLOOD GROUP, WALDNER (WD). Also called: WALDNER BLOOD GROUP ANTIGEN. Identifiers: MedGen C1862191, OMIM 112010.
Autosomal dominant distal renal tubular acidosis (DRTA1). Also called: RTA, CLASSIC TYPE; RTA, DISTAL TYPE, AUTOSOMAL DOMINANT; RTA, GRADIENT TYPE; Renal Tubular Acidosis, Type I; RENAL TUBULAR ACIDOSIS, DISTAL, 1. Identifiers: Orphanet 93608, MedGen CN280572, MONDO:0008368, OMIM 179800.
Southeast Asian ovalocytosis. Also called: Stomatocytic elliptocytosis, hereditary; Ovalocytosis, Malaysian-Melanesian-Filipino type; Elliptocytosis 4; HE, STOMATOCYTIC. Identifiers: Orphanet 98868, MedGen C1862322, MONDO:0008165, OMIM 166900.
BLOOD GROUP--DIEGO SYSTEM (DI). Identifiers: MedGen C1292286, OMIM 110500.
BLOOD GROUP--WRIGHT ANTIGEN (WR). Identifiers: MedGen C1862190, OMIM 112050.
BLOOD GROUP--FROESE (FR). Also called: FROESE BLOOD GROUP ANTIGEN. Identifiers: MedGen C1832168, OMIM 601551.
BLOOD GROUP--SWANN SYSTEM (SW). Also called: SWANN BLOOD GROUP. Identifiers: MedGen C1832169, OMIM 601550.
Malaria, susceptibility to. Identifiers: Orphanet 673, MedGen C1970028, MONDO:0021024, OMIM 611162.
Cryohydrocytosis. Also called: STOMATOCYTOSIS, COLD-SENSITIVE; Hereditary cryohydrocytosis with normal stomatin; CRYOHYDROCYTOSIS DUE TO BAND 3 HEMEL; CRYOHYDROCYTOSIS DUE TO BAND 3 HURSTPIERPOINT; CRYOHYDROCYTOSIS DUE TO BAND 3 BLACKBURN. Identifiers: Orphanet 398088, MedGen C1861453, MONDO:0008494, OMIM 185020.
Renal tubular acidosis, distal, 4, with hemolytic anemia. Also called: Renal Tubular Acidosis, Distal, with Hemolytic Anemia. Identifiers: Orphanet 93610, MedGen C5436235, MONDO:0012700, OMIM 611590.

Submissions (3):

Labcorp Genetics (formerly Invitae), Labcorp
Classification: Likely pathogenic. Last evaluated: 2025-12-24. Review status: criteria provided, single submitter. Criteria: Invitae Variant Classification Sherloc (09022015). Collection method: clinical testing. Allele origin: germline.
Comment: This sequence change affects a donor splice site in intron 5 of the SLC4A1 gene. It is expected to disrupt RNA splicing. Variants that disrupt the donor or acceptor splice site typically lead to a loss of protein function (PMID: 16199547), and loss-of-function variants in SLC4A1 are known to be pathogenic (PMID: 8943874, 10926824, 23255290). This variant is not present in population databases (gnomAD no frequency). This variant has not been reported in the literature in individuals affected with SLC4A1-related conditions. ClinVar contains an entry for this variant (Variation ID: 2433471). Algorithms developed to predict the effect of sequence changes on RNA splicing suggest that this variant may disrupt the consensus splice site. In summary, the currently available evidence indicates that the variant is pathogenic, but additional data are needed to prove that conclusively. Therefore, this variant has been classified as Likely Pathogenic.

Fulgent Genetics
Classification: Likely pathogenic for BLOOD GROUP--DIEGO SYSTEM; BLOOD GROUP, WALDNER; BLOOD GROUP--WRIGHT ANTIGEN; Southeast Asian ovalocytosis; Autosomal dominant distal renal tubular acidosis; Cryohydrocytosis; BLOOD GROUP--SWANN SYSTEM; BLOOD GROUP--FROESE; Malaria, susceptibility to; Renal tubular acidosis, distal, 4, with hemolytic anemia; Hereditary spherocytosis type 4. Last evaluated: 2024-05-31. Review status: criteria provided, single submitter. Criteria: ACMG Guidelines, 2015. Collection method: clinical testing. Allele origin: germline.

Revvity Omics, Revvity
Classification: Likely pathogenic. Last evaluated: 2023-05-08. Review status: criteria provided, single submitter. Criteria: ACMG Guidelines, 2015. Collection method: clinical testing. Allele origin: germline.

Literature cited by the submitters: PubMed 16199547 (cited by Labcorp Genetics (formerly Invitae), Labcorp); PubMed 8943874 (cited by Labcorp Genetics (formerly Invitae), Labcorp); PubMed 10926824 (cited by Labcorp Genetics (formerly Invitae), Labcorp); PubMed 23255290 (cited by Labcorp Genetics (formerly Invitae), Labcorp).